The following is an entry in ClinVar:

ClinVar aggregate classification (germline): Likely benign. Review status: criteria provided, multiple submitters, no conflicts (2 of 4 stars). 3 submissions from 3 submitters: Likely benign (2). 1 of the submissions does not count toward it. Last evaluated 2025-11-27.

Conditions:
RIN2-related disorder. Also called: RIN2-related condition.

Allele frequency attached by ClinVar (database versions not stated): gnomAD 0.00002; gnomAD exomes 0.00003; TOPMed 0.00003; ExAC 0.00004.
gnomAD v4.1: 42 of 1,613,944 alleles (0.0026%); highest among the groups gnomAD compares: Middle Eastern, 0.016%; no homozygotes.

Submissions (3):

Labcorp Genetics (formerly Invitae), Labcorp
Classification: Likely benign. Last evaluated: 2025-11-27. Review status: criteria provided, single submitter. Criteria: Invitae Variant Classification Sherloc (09022015). Collection method: clinical testing. Allele origin: germline.

CeGaT Center for Human Genetics Tuebingen
Classification: Likely benign. Last evaluated: 2024-11-01. Review status: criteria provided, single submitter. Criteria: CeGaT Center For Human Genetics Tuebingen Variant Classification Criteria Version 2. Collection method: clinical testing. Allele origin: germline. Affected: yes. Observed: 1 variant allele.
Comment: RIN2: BP4, BP7

PreventionGenetics, part of Exact Sciences
Classification: Likely benign for RIN2-related condition. Last evaluated: 2023-05-15. Review status: no assertion criteria provided. Collection method: clinical testing. Allele origin: germline. Not counted in ClinVar's aggregate classification.
Comment: This variant is classified as likely benign based on ACMG/AMP sequence variant interpretation guidelines (Richards et al. 2015 PMID: 25741868, with internal and published modifications).

NM_018993.4(RIN2):c.1398G>A (p.Gly466=)

Gene: RIN2 (Ras and Rab interactor 2; plus strand). Cytogenetic location: 20p11.23.
Variant type: single nucleotide variant.
Coding change: c.1398G>A on transcript NM_018993.4 (MANE Select); coding-DNA position 1398, G replaced by A.
Protein change: p.Gly466=; no amino-acid change (glycine 466 retained).
Molecular consequence: synonymous variant.
Genome position (GRCh38, 1-based): chr20:19,975,423, G>A. VCF-style: chr20-19975423-G-A. GRCh37 (hg19) VCF-style: chr20-19956067-G-A.
Other names: c.1545G>A, p.Gly515= (NM_001242581.2); c.780G>A, p.Gly260= (NM_001378238.1); c.1545G>A (NM_001242581.1).
Identifiers: ClinVar variation 2157986 (VCV002157986.20), dbSNP rs773084199, ClinGen allele CA9780077.
Genomic context (GRCh38, chr20:19,975,423, plus strand): 5'-GAGCATGCCTCTGTTTGGCTACGAGGCGGACACCAACAGCAGCCTGGAGGACTACGAGGG[G>A]GAAAGTGACCAAGAGACCATGGCGCCCCCCATCAAGTCCAAAAAGAAAAGGAGCAGCTCC-3'
Protein context (NP_061866.1, residues 456-476): DTNSSLEDYE[Gly466=]ESDQETMAPP